The following is an entry in ClinVar:

ClinVar aggregate classification (germline): Uncertain significance. Review status: criteria provided, multiple submitters, no conflicts (2 of 4 stars). 7 submissions from 5 submitters: Uncertain significance (7). Last evaluated 2025-07-15.

Conditions:
Elliptocytosis 2 (EL2). Also called: ELLIPTOCYTOSIS, RHESUS-UNLINKED TYPE. Identifiers: Orphanet 288, MedGen C1851741, MONDO:0007533, OMIM 130600.
Pyropoikilocytosis, hereditary. Also called: Pyropoikilocytosis. Identifiers: MedGen C0520739, MONDO:0009948, OMIM 266140, HP:0004839. Disease mechanism: loss of function.
Hereditary spherocytosis type 3. Also called: Spherocytosis type 3; SPTA1-Related Spherocytosis. Identifiers: Orphanet 822, MedGen C2678338, MONDO:0010053, OMIM 270970.

Allele frequency attached by ClinVar (database versions not stated): ExAC 0.00002; gnomAD 0.00003 and 0.00004; gnomAD exomes 0.00004; TOPMed 0.00005.
gnomAD v4.1: 31 of 1,613,956 alleles (0.0019%); highest among the groups gnomAD compares: Admixed American, 0.005%; no homozygotes.

Submissions (7):

Ambry Genetics
Classification: Uncertain significance. Last evaluated: 2025-07-15. Review status: criteria provided, single submitter. Criteria: Ambry Variant Classification Scheme 2023. Collection method: clinical testing. Allele origin: germline.

Mayo Clinic Laboratories, Mayo Clinic
Classification: Uncertain significance. Last evaluated: 2025-04-24. Review status: criteria provided, single submitter. Criteria: ACMG Guidelines, 2015. Collection method: clinical testing. Allele origin: germline. Observed: 2 variant alleles.
Comment: BP4_moderate, PM2_moderate

Labcorp Genetics (formerly Invitae), Labcorp
Classification: Uncertain significance. Last evaluated: 2024-08-31. Review status: criteria provided, single submitter. Criteria: Invitae Variant Classification Sherloc (09022015). Collection method: clinical testing. Allele origin: germline.
Comment: This sequence change replaces arginine, which is basic and polar, with glutamine, which is neutral and polar, at codon 564 of the SPTA1 protein (p.Arg564Gln). This variant is present in population databases (rs762400241, gnomAD 0.02%). This variant has not been reported in the literature in individuals affected with SPTA1-related conditions. ClinVar contains an entry for this variant (Variation ID: 293032). Invitae Evidence Modeling of protein sequence and biophysical properties (such as structural, functional, and spatial information, amino acid conservation, physicochemical variation, residue mobility, and thermodynamic stability) indicates that this missense variant is not expected to disrupt SPTA1 protein function with a negative predictive value of 80%. In summary, the available evidence is currently insufficient to determine the role of this variant in disease. Therefore, it has been classified as a Variant of Uncertain Significance.

Revvity Omics, Revvity
Classification: Uncertain significance. Last evaluated: 2023-07-31. Review status: criteria provided, single submitter. Criteria: ACMG Guidelines, 2015. Collection method: clinical testing. Allele origin: germline.

Illumina Laboratory Services, Illumina
Classification: Uncertain significance for Pyropoikilocytosis, hereditary. Last evaluated: 2018-01-13. Review status: criteria provided, single submitter. Criteria: ICSL Variant Classification Criteria 13 December 2019. Collection method: clinical testing. Allele origin: germline.

Illumina Laboratory Services, Illumina
Classification: Uncertain significance for Elliptocytosis 2. Last evaluated: 2018-01-13. Review status: criteria provided, single submitter. Criteria: ICSL Variant Classification Criteria 13 December 2019. Collection method: clinical testing. Allele origin: germline.

Illumina Laboratory Services, Illumina
Classification: Uncertain significance for Hereditary spherocytosis type 3. Last evaluated: 2018-01-13. Review status: criteria provided, single submitter. Criteria: ICSL Variant Classification Criteria 13 December 2019. Collection method: clinical testing. Allele origin: germline.

NM_003126.4(SPTA1):c.1691G>A (p.Arg564Gln)

Gene: SPTA1 (spectrin alpha, erythrocytic 1; minus strand). Cytogenetic location: 1q23.1.
Variant type: single nucleotide variant.
Coding change: c.1691G>A on transcript NM_003126.4 (MANE Select); coding-DNA position 1691, G replaced by A.
Protein change: p.Arg564Gln; replaces arginine 564 with glutamine.
Molecular consequence: missense variant.
Genome position (GRCh38, 1-based): chr1:158,669,550, C>T on the plus strand (G>A on the coding strand, the complement: SPTA1 is on the minus strand). VCF-style: chr1-158669550-C-T. GRCh37 (hg19) VCF-style: chr1-158639340-C-T.
Other names: p.Arg564Gln; short protein forms R564Q.
Identifiers: ClinVar variation 293032 (VCV000293032.12), dbSNP rs762400241, ClinGen allele CA1183645.